The following is an entry in ClinVar:

NM_001077525.3(MTMR14):c.678-10T>C

Gene: MTMR14 (myotubularin related protein 14; plus strand). Cytogenetic location: 3p25.3.
Variant type: single nucleotide variant.
Coding change: c.678-10T>C on transcript NM_001077525.3 (MANE Select); 10 bases into the intron before coding-DNA position 678, T replaced by C.
Molecular consequence: intron variant.
Genome position (GRCh38, 1-based): chr3:9,672,675, T>C. VCF-style: chr3-9672675-T-C. GRCh37 (hg19) VCF-style: chr3-9714359-T-C.
Other names: c.747-10T>C (NM_001400518.1, NM_001400521.1, NM_001400526.1); c.36-10T>C (NM_001400542.1, NM_001400534.1, NM_001400541.1 and 9 more transcripts); c.678-10T>C (NM_001077526.3, NM_022485.5, NM_001400520.1 and 3 more transcripts); c.-38-10T>C (NM_001400547.1, NM_001400548.1, NM_001400544.1 and 1 more transcripts); c.675-10T>C (NM_001400519.1, NM_001400522.1); c.432-10T>C (NM_001400524.1, NM_001400527.1, NM_001400530.1 and 1 more transcripts); c.429-10T>C (NM_001400531.1); c.396-10T>C (NM_001400525.1, NM_001400529.1, NM_001400532.1 and 1 more transcripts).
Identifiers: ClinVar variation 2059268 (VCV002059268.6), dbSNP rs752508907, ClinGen allele CA2240408.

ClinVar aggregate classification (germline): Likely benign. Review status: criteria provided, single submitter (1 of 4 stars). 2 submissions from 2 submitters: Likely benign (1). 1 of the submissions does not count toward it. Last evaluated 2023-11-25.

Conditions:
MTMR14-related disorder. Also called: MTMR14-related condition.

Allele frequency attached by ClinVar (database versions not stated): gnomAD exomes 0.00001; TOPMed 0.00001; ExAC 0.00001; gnomAD 0.00001.

Submissions (2):

Labcorp Genetics (formerly Invitae), Labcorp
Classification: Likely benign. Last evaluated: 2023-11-25. Review status: criteria provided, single submitter. Criteria: Invitae Variant Classification Sherloc (09022015). Collection method: clinical testing. Allele origin: germline.

PreventionGenetics, part of Exact Sciences
Classification: Likely benign for MTMR14-related condition. Last evaluated: 2019-03-01. Review status: no assertion criteria provided. Collection method: clinical testing. Allele origin: germline. Not counted in ClinVar's aggregate classification.
Comment: This variant is classified as likely benign based on ACMG/AMP sequence variant interpretation guidelines (Richards et al. 2015 PMID: 25741868, with internal and published modifications).